The following is an entry in ClinVar:

ClinVar aggregate classification (germline): Uncertain significance (1 of 4 stars; one submission).

Conditions:
Inborn genetic diseases. Identifiers: MedGen C0950123, MeSH D030342.

gnomAD v4.1: 1 of 1,608,738 alleles (0.000062%); highest among the groups gnomAD compares: Admixed American, 0.0017%; no homozygotes.

Submission:

Ambry Genetics
Classification: Uncertain significance for Inborn genetic diseases. Last evaluated: 2025-06-30. Review status: criteria provided, single submitter. Criteria: Ambry Variant Classification Scheme 2023. Collection method: clinical testing. Allele origin: germline.
Comment: The p.T1177N variant (also known as c.3530C>A), located in coding exon 16 of the MECOM gene, results from a C to A substitution at nucleotide position 3530. The threonine at codon 1177 is replaced by asparagine, an amino acid with similar properties. This amino acid position is conserved. In addition, this alteration is predicted to be tolerated by in silico analysis. Based on the available evidence, the clinical significance of this variant remains unclear.

NM_004991.4(MECOM):c.3530C>A (p.Thr1177Asn)

Gene: MECOM (MDS1 and EVI1 complex locus; minus strand). Cytogenetic location: 3q26.2.
Variant type: single nucleotide variant.
Coding change: c.3530C>A on transcript NM_004991.4 (MANE Select); coding-DNA position 3530, C replaced by A.
Protein change: p.Thr1177Asn; replaces threonine 1177 with asparagine.
Molecular consequence: missense variant.
Genome position (GRCh38, 1-based): chr3:169,089,055, G>T on the plus strand (C>A on the coding strand, the complement: MECOM is on the minus strand). VCF-style: chr3-169089055-G-T. GRCh37 (hg19) VCF-style: chr3-168806843-G-T.
Other names: c.2969C>A, p.Thr990Asn (NM_001366468.2, NM_001366467.2); c.2966C>A, p.Thr989Asn (NM_001366469.2, NM_005241.4, NM_001105078.4 and 1 more transcripts); c.2942C>A, p.Thr981Asn (NM_001366470.2, NM_001163999.2); c.2939C>A, p.Thr980Asn (NM_001366471.2, NM_001366472.2, NM_001164000.2); c.2531C>A, p.Thr844Asn (NM_001366473.2); c.1967C>A, p.Thr656Asn (NM_001366474.2); c.3161C>A, p.Thr1054Asn (NM_001105077.4); c.3503C>A, p.Thr1168Asn (NM_001366466.2); short protein forms T1054N, T1168N, T844N, T989N, T656N, T980N, T1177N, T981N.
Identifiers: ClinVar variation 4105746 (VCV004105746.1).